The following is an entry in ClinVar:

ClinVar aggregate classification (germline): Uncertain significance (1 of 4 stars; one submission).

Conditions:
ADH7-related disorder. Also called: ADH7-related condition.

Allele frequency attached by ClinVar (database versions not stated): ExAC 0.00001; gnomAD 0.00001; gnomAD exomes 0.00001; TOPMed 0.00001.
gnomAD v4.1: 20 of 1,609,314 alleles (0.0012%); highest among the groups gnomAD compares: Admixed American, 0.0034%; no homozygotes.

Submission:

PreventionGenetics, part of Exact Sciences
Classification: Uncertain significance for ADH7-related condition. Last evaluated: 2022-12-22. Review status: criteria provided, single submitter. Criteria: ACMG Guidelines, 2015. Collection method: clinical testing. Allele origin: germline.
Comment: The ADH7 c.179A>C variant is predicted to result in the amino acid substitution p.Lys60Thr. To our knowledge, this variant has not been reported in the literature. This variant is reported in 0.020% of alleles in individuals of Ashkenazi Jewish descent in gnomAD. At this time, the clinical significance of this variant is uncertain due to the absence of conclusive functional and genetic evidence.

NM_000673.7(ADH7):c.119A>C (p.Lys40Thr)

Gene: ADH7 (alcohol dehydrogenase 7 (class IV), mu or sigma polypeptide; minus strand). Cytogenetic location: 4q23.
Variant type: single nucleotide variant.
Coding change: c.119A>C on transcript NM_000673.7 (MANE Select); coding-DNA position 119, A replaced by C.
Protein change: p.Lys40Thr; replaces lysine 40 with threonine.
Molecular consequence: missense variant.
Genome position (GRCh38, 1-based): chr4:99,429,533, T>G on the plus strand (A>C on the coding strand, the complement: ADH7 is on the minus strand). VCF-style: chr4-99429533-T-G. GRCh37 (hg19) VCF-style: chr4-100350690-T-G.
Other names: c.179A>C, p.Lys60Thr (NM_001166504.2); short protein forms K40T, K60T.
Identifiers: ClinVar variation 2636791 (VCV002636791.1), dbSNP rs773621774, ClinGen allele CA3020945.